The following is an entry in ClinVar:

ClinVar aggregate classification (germline): Uncertain significance. Review status: criteria provided, multiple submitters, no conflicts (2 of 4 stars). 2 submissions from 2 submitters: Uncertain significance (2). Last evaluated 2024-11-24.

Conditions:
Developmental and epileptic encephalopathy, 30 (DEE30). Also called: Epileptic encephalopathy, early infantile, 30. Identifiers: MedGen C4225360, MONDO:0014595, OMIM 616341.

Allele frequency attached by ClinVar (database versions not stated): gnomAD exomes 0.00003; gnomAD 0.00019 and 0.00024.

Submissions (2):

Labcorp Genetics (formerly Invitae), Labcorp
Classification: Uncertain significance for Developmental and epileptic encephalopathy, 30. Last evaluated: 2024-11-24. Review status: criteria provided, single submitter. Criteria: Invitae Variant Classification Sherloc (09022015). Collection method: clinical testing. Allele origin: germline.
Comment: This sequence change creates a premature translational stop signal (p.Ala615Valfs*76) in the SIK1 gene. While this is not anticipated to result in nonsense mediated decay, it is expected to disrupt the last 169 amino acid(s) of the SIK1 protein. This variant is present in population databases (no rsID available, gnomAD 0.02%). This variant has not been reported in the literature in individuals affected with SIK1-related conditions. ClinVar contains an entry for this variant (Variation ID: 582156). In summary, the available evidence is currently insufficient to determine the role of this variant in disease. Therefore, it has been classified as a Variant of Uncertain Significance.

Fulgent Genetics
Classification: Uncertain significance for Developmental and epileptic encephalopathy, 30. Last evaluated: 2021-12-03. Review status: criteria provided, single submitter. Criteria: ACMG Guidelines, 2015. Collection method: clinical testing. Allele origin: unknown.

NM_173354.5(SIK1):c.1843_1844insT (p.Ala615fs)

Gene: SIK1 (salt inducible kinase 1; minus strand). Cytogenetic location: 21q22.3.
Variant type: Insertion.
Coding change: c.1843_1844insT on transcript NM_173354.5 (MANE Select); coding-DNA positions 1843 to 1844, T inserted.
Protein change: p.Ala615fs; shifts the reading frame from alanine 615.
Molecular consequence: frameshift variant.
Genome position: GRCh38 VCF-style: chr21-43417675-G-GA. GRCh37 (hg19) VCF-style: chr21-44837555-G-GA.
Other names: short protein forms A615fs.
Identifiers: ClinVar variation 582156 (VCV000582156.10), dbSNP rs1474186338, ClinGen allele CA749585373.